The following is an entry in ClinVar:

ClinVar aggregate classification (germline): Benign (0 of 4 stars; one submission).

Conditions:
MUC16-related disorder. Also called: MUC16-related condition.

Allele frequency attached by ClinVar (database versions not stated): ESP Exome Variant Server 0.14213; gnomAD 0.16322; TOPMed 0.16371; gnomAD exomes 0.18528; 1000 Genomes Project 30x 0.18676; 1000 Genomes Project 0.18990; ExAC 0.19571.

Submission:

PreventionGenetics, part of Exact Sciences
Classification: Benign for MUC16-related condition. Last evaluated: 2019-10-18. Review status: no assertion criteria provided. Collection method: clinical testing. Allele origin: germline.
Comment: This variant is classified as benign based on ACMG/AMP sequence variant interpretation guidelines (Richards et al. 2015 PMID: 25741868, with internal and published modifications).

NM_001401501.2(MUC16):c.3605C>T (p.Thr1202Ile)

Gene: MUC16 (mucin 16, cell surface associated; minus strand). Cytogenetic location: 19p13.2.
Variant type: single nucleotide variant.
Coding change: c.3605C>T on transcript NM_001401501.2 (MANE Select); coding-DNA position 3605, C replaced by T.
Protein change: p.Thr1202Ile; replaces threonine 1202 with isoleucine.
Molecular consequence: missense variant.
Genome position (GRCh38, 1-based): chr19:8,977,654, G>A on the plus strand (C>T on the coding strand, the complement: MUC16 is on the minus strand). VCF-style: chr19-8977654-G-A. GRCh37 (hg19) VCF-style: chr19-9088330-G-A.
Other names: c.4031C>T, p.Thr1344Ile (NM_001414686.1); c.3485C>T, p.Thr1162Ile (NM_001414687.1, NM_024690.2); short protein forms T1162I, T1202I, T1344I.
Identifiers: ClinVar variation 3060251 (VCV003060251.2), dbSNP rs17000947, ClinGen allele CA9173014.
Genomic context (GRCh38, chr19:8,977,654, plus strand): 5'-ATTATCATGCTTGTGGTGACTCTCTGAGTTGAAAATGTGGAGCTCATTGTGACTTTGGGA[G>A]TAGGAGAAGAAGGAGATGAGGACAAGATGCCAAGCCAGGTGCTTCTAGCAGAGCCAGGAT-3'
Protein context (NP_001388430.1, residues 1192-1212): GILSSSPSSP[Thr1202Ile]PKVTMSSTFS